The following is an entry in ClinVar:

ClinVar aggregate classification (germline): not provided (0 of 4 stars; one submission).

Submission:

ClinVar Staff, National Center for Biotechnology Information (NCBI)
No classification provided. Review status: no classification provided. Collection method: not provided. Allele origin: unknown.
Comment: Based on information supplied by Graeme Grimes.

NM_000278.5(PAX2):c.59del (p.Val20fs)

Gene: PAX2 (paired box 2; plus strand). Cytogenetic location: 10q24.31.
Variant type: Deletion.
Coding change: c.59del on transcript NM_000278.5 (MANE Select); coding-DNA position 59, one base deleted (T; older notation c.59delT).
Protein change: p.Val20fs; shifts the reading frame from valine 20.
Molecular consequence: frameshift variant.
Genome position (GRCh38, 1-based): chr10:100,749,761, T deleted. VCF-style (leftmost placement, unchanged base first): chr10-100749760-GT-G. GRCh37 (hg19) VCF-style: chr10-102509517-GT-G.
Other names: c.152del, p.Val51fs (NM_001304569.2); c.59del, p.Val20fs (NM_003987.5, NM_003988.5, NM_003989.5 and 1 more transcripts); short protein forms V51fs, V20fs.
Identifiers: ClinVar variation 156293 (VCV000156293.1), dbSNP rs76803183, ClinGen allele CA233166.